The following is an entry in ClinVar:

ClinVar aggregate classification (germline): Uncertain significance (1 of 4 stars; one submission).

Submission:

Labcorp Genetics (formerly Invitae), Labcorp
Classification: Uncertain significance. Last evaluated: 2024-08-01. Review status: criteria provided, single submitter. Criteria: Invitae Variant Classification Sherloc (09022015). Collection method: clinical testing. Allele origin: germline.
Comment: This sequence change replaces glycine, which is neutral and non-polar, with glutamic acid, which is acidic and polar, at codon 332 of the SEMA4A protein (p.Gly332Glu). This variant is present in population databases (rs764953827, gnomAD 0.003%). This variant has not been reported in the literature in individuals affected with SEMA4A-related conditions. An algorithm developed to predict the effect of missense changes on protein structure and function outputs the following: PolyPhen-2: "Benign". The glutamic acid amino acid residue is found in multiple mammalian species, which suggests that this missense change does not adversely affect protein function. In summary, the available evidence is currently insufficient to determine the role of this variant in disease. Therefore, it has been classified as a Variant of Uncertain Significance.

NM_022367.4(SEMA4A):c.995G>A (p.Gly332Glu)

Gene: SEMA4A (semaphorin 4A; plus strand). Cytogenetic location: 1q22.
Variant type: single nucleotide variant.
Coding change: c.995G>A on transcript NM_022367.4 (MANE Select); coding-DNA position 995, G replaced by A.
Protein change: p.Gly332Glu; replaces glycine 332 with glutamic acid.
Molecular consequence: missense variant.
Genome position (GRCh38, 1-based): chr1:156,162,955, G>A. VCF-style: chr1-156162955-G-A. GRCh37 (hg19) VCF-style: chr1-156132746-G-A.
Other names: c.488G>A, p.Gly163Glu (NM_001370569.1, NM_001370571.1); c.995G>A, p.Gly332Glu (NM_001193300.2, NM_001193301.2, NM_001370567.1); c.599G>A, p.Gly200Glu (NM_001193302.2); c.698G>A, p.Gly233Glu (NM_001370568.1); short protein forms G163E, G233E, G332E, G200E.
Identifiers: ClinVar variation 3697180 (VCV003697180.2).
Genomic context (GRCh38, chr1:156,162,955, plus strand): 5'-TGCTGGTGTGGCAGAGACCACAGACAATGTTCCCTCTGGCTGTCTCCAGGCAGGTTGGCG[G>A]GACCAGGAGCTCTGCGGTTTGTGCCTTCTCTCTCTTGGACATTGAACGTGTCTTTAAGGG-3'
Protein context (NP_071762.2, residues 322-342): AVFTSQWQVG[Gly332Glu]TRSSAVCAFS